The following is an entry in ClinVar:

NM_033004.4(NLRP1):c.1781A>G (p.His594Arg)

Gene: NLRP1 (NLR family pyrin domain containing 1; minus strand). Cytogenetic location: 17p13.2.
Variant type: single nucleotide variant.
Coding change: c.1781A>G on transcript NM_033004.4 (MANE Select); coding-DNA position 1781, A replaced by G.
Protein change: p.His594Arg; replaces histidine 594 with arginine.
Molecular consequence: missense variant.
Genome position (GRCh38, 1-based): chr17:5,558,915, T>C on the plus strand (A>G on the coding strand, the complement: NLRP1 is on the minus strand). VCF-style: chr17-5558915-T-C. GRCh37 (hg19) VCF-style: chr17-5462235-T-C.
Other names: c.1781A>G, p.His594Arg (NM_001033053.3, NM_014922.5, NM_033006.4 and 1 more transcripts); short protein forms H594R.
Identifiers: ClinVar variation 4736102 (VCV004736102.1).

ClinVar aggregate classification (germline): Uncertain significance (1 of 4 stars; one submission).

gnomAD v4.1: 1 of 1,614,156 alleles (0.000062%); highest among the groups gnomAD compares: African/African-American, 0.0013%; no homozygotes.

Submission:

Labcorp Genetics (formerly Invitae), Labcorp
Classification: Uncertain significance. Last evaluated: 2026-01-24. Review status: criteria provided, single submitter. Criteria: Invitae Variant Classification Sherloc (09022015). Collection method: clinical testing. Allele origin: germline.
Comment: This sequence change replaces histidine, which is basic and polar, with arginine, which is basic and polar, at codon 594 of the NLRP1 protein (p.His594Arg). This variant is not present in population databases (gnomAD no frequency). This variant has not been reported in the literature in individuals affected with NLRP1-related conditions. An algorithm developed to predict the effect of missense changes on protein structure and function (PolyPhen-2) suggests that this variant is likely to be tolerated. In summary, the available evidence is currently insufficient to determine the role of this variant in disease. Therefore, it has been classified as a Variant of Uncertain Significance.